The following is an entry in ClinVar:

NM_001127208.3(TET2):c.2440C>T (p.Arg814Cys)

Genes: TET2-AS1 (TET2 antisense RNA 1; minus strand), TET2 (tet methylcytosine dioxygenase 2; plus strand). Cytogenetic location: 4q24.
Variant type: single nucleotide variant.
Coding change: c.2440C>T on transcript NM_001127208.3 (MANE Select); coding-DNA position 2440, C replaced by T.
Protein change: p.Arg814Cys; replaces arginine 814 with cysteine.
Molecular consequence: missense variant.
Genome position (GRCh38, 1-based): chr4:105,236,382, C>T. VCF-style: chr4-105236382-C-T. GRCh37 (hg19) VCF-style: chr4-106157539-C-T.
Other names: c.2440C>T, p.Arg814Cys (NM_017628.4); short protein forms R814C.
Identifiers: ClinVar variation 135312 (VCV000135312.6), dbSNP rs192553789, ClinGen allele CA162325.
Genomic context (GRCh38, chr4:105,236,382, plus strand): 5'-TCAAGCGAGTTCGAGACTCATAATGTCCAAATGGGACTGGAGGAAGTACAGAATATAAAT[C>T]GTAGAAATTCCCCTTATAGTCAGACCATGAAATCAAGTGCATGCAAAATACAGGTTTCTT-3'
Protein context (NP_001120680.1, residues 804-824): MGLEEVQNIN[Arg814Cys]RNSPYSQTMK

ClinVar aggregate classification (germline): Benign. Review status: criteria provided, single submitter (1 of 4 stars). 2 submissions from 2 submitters: Benign (1). 1 of the submissions does not count toward it. Last evaluated 2026-01-24.

Allele frequency attached by ClinVar (database versions not stated): gnomAD 0.00020 and 0.00029; TOPMed 0.00057; ExAC 0.00060; gnomAD exomes 0.00065; 1000 Genomes Project 0.00140; 1000 Genomes Project 30x 0.00187.
gnomAD v4.1: 323 of 1,613,894 alleles (0.02%); highest among the groups gnomAD compares: East Asian, 0.45%; 5 homozygotes.

Submissions (2):

Labcorp Genetics (formerly Invitae), Labcorp
Classification: Benign. Last evaluated: 2026-01-24. Review status: criteria provided, single submitter. Criteria: Invitae Variant Classification Sherloc (09022015). Collection method: clinical testing. Allele origin: germline.

ITMI
No classification provided. Condition: AllHighlyPenetrant. Last evaluated: 2013-09-19. Review status: no classification provided. Collection method: reference population. Allele origin: germline. Not counted in ClinVar's aggregate classification.
Comment: Please see associated publication for description of ethnicities

Literature cited by the submitters: PubMed 24728327 (cited by ITMI).